The following is an entry in ClinVar:

NM_201550.4(LRRC10):c.141C>A (p.His47Gln)

Gene: LRRC10 (leucine rich repeat containing 10; minus strand). Cytogenetic location: 12q15.
Variant type: single nucleotide variant.
Coding change: c.141C>A on transcript NM_201550.4 (MANE Select); coding-DNA position 141, C replaced by A.
Protein change: p.His47Gln; replaces histidine 47 with glutamine.
Molecular consequence: missense variant.
Genome position (GRCh38, 1-based): chr12:69,610,698, G>T on the plus strand (C>A on the coding strand, the complement: LRRC10 is on the minus strand). VCF-style: chr12-69610698-G-T. GRCh37 (hg19) VCF-style: chr12-70004478-G-T.
Other names: short protein forms H47Q.
Identifiers: ClinVar variation 478134 (VCV000478134.8), dbSNP rs373230856, ClinGen allele CA385737982.

ClinVar aggregate classification (germline): Uncertain significance (1 of 4 stars; one submission).

Submission:

Labcorp Genetics (formerly Invitae), Labcorp
Classification: Uncertain significance. Last evaluated: 2017-07-16. Review status: criteria provided, single submitter. Criteria: Invitae Variant Classification Sherloc (09022015). Collection method: clinical testing. Allele origin: germline.
Comment: In summary, the available evidence is currently insufficient to determine the role of this variant in disease. Therefore, it has been classified as a Variant of Uncertain Significance. Algorithms developed to predict the effect of missense changes on protein structure and function (SIFT, PolyPhen-2, Align-GVGD) all suggest that this variant is likely to be tolerated, but these predictions have not been confirmed by published functional studies and their clinical significance is uncertain. This variant has not been reported in the literature in individuals with LRRC10-related disease. This variant is not present in population databases (ExAC no frequency). This sequence change replaces histidine with glutamine at codon 47 of the LRRC10 protein (p.His47Gln). The histidine residue is weakly conserved and there is a small physicochemical difference between histidine and glutamine.